The following is an entry in ClinVar:

ClinVar aggregate classification (germline): Uncertain significance. Review status: criteria provided, multiple submitters, no conflicts (2 of 4 stars). 3 submissions from 3 submitters: Uncertain significance (3). Last evaluated 2025-11-18.

Conditions:
RASopathy. Also called: Noonan spectrum disorder; rasopathies. Identifiers: Orphanet 536391, MedGen C5555857, MONDO:0021060.
Cardiovascular phenotype. Identifiers: MedGen CN230736.

Allele frequency attached by ClinVar (database versions not stated): TOPMed below 0.00001; gnomAD 0.00001.
gnomAD v4.1: 2 of 1,613,948 alleles (0.00012%); highest among the groups gnomAD compares: African/African-American, 0.0027%; no homozygotes.

Submissions (3):

Labcorp Genetics (formerly Invitae), Labcorp
Classification: Uncertain significance for RASopathy. Last evaluated: 2025-11-18. Review status: criteria provided, single submitter. Criteria: Invitae Variant Classification Sherloc (09022015). Collection method: clinical testing. Allele origin: germline.
Comment: This sequence change replaces phenylalanine, which is neutral and non-polar, with cysteine, which is neutral and slightly polar, at codon 147 of the PTPN11 protein (p.Phe147Cys). This variant is present in population databases (no rsID available, gnomAD 0.01%). This variant has not been reported in the literature in individuals affected with PTPN11-related conditions. ClinVar contains an entry for this variant (Variation ID: 561792). Invitae Evidence Modeling of protein sequence and biophysical properties (such as structural, functional, and spatial information, amino acid conservation, physicochemical variation, residue mobility, and thermodynamic stability) indicates that this missense variant is expected to disrupt PTPN11 protein function with a positive predictive value of 95%. In summary, the available evidence is currently insufficient to determine the role of this variant in disease. Therefore, it has been classified as a Variant of Uncertain Significance.

Ambry Genetics
Classification: Uncertain significance for Cardiovascular phenotype. Last evaluated: 2025-01-05. Review status: criteria provided, single submitter. Criteria: Ambry Variant Classification Scheme 2023. Collection method: clinical testing. Allele origin: germline.
Comment: The p.F147C variant (also known as c.440T>G), located in coding exon 4 of the PTPN11 gene, results from a T to G substitution at nucleotide position 440. The phenylalanine at codon 147 is replaced by cysteine, an amino acid with highly dissimilar properties. This amino acid position is conserved. In addition, this alteration is predicted to be deleterious by in silico analysis. Based on the available evidence, the clinical significance of this variant remains unclear.

GeneDx
Classification: Uncertain significance. Last evaluated: 2018-04-27. Review status: criteria provided, single submitter. Criteria: GeneDx Variant Classification (06012015). Collection method: clinical testing. Allele origin: germline. Affected: yes.
Comment: A variant of uncertain significance has been identified in the PTPN11 gene. The F147C variant has not been published as pathogenic or been reported as benign to our knowledge. This variant is observed in 1/8732 (0.01%) alleles from individuals of African ancestry in large population cohorts (Lek et al., 2016). The F147C variant is a non-conservative amino acid substitution, which is likely to impact secondary protein structure as these residues differ in polarity, charge, size and/or other properties. In-silico analyses, including protein predictors and evolutionary conservation, support a deleterious effect. Finally, the PTPN11 gene has a low rate of benign missense variation, and missense variants are a common mechanism of disease for this gene (Stenson et al., 2014). Therefore, based on the currently available information, it is unclear whether this variant is pathogenic or rare benign.

NM_002834.5(PTPN11):c.440T>G (p.Phe147Cys)

Gene: PTPN11 (protein tyrosine phosphatase non-receptor type 11; plus strand). Cytogenetic location: 12q24.13.
Variant type: single nucleotide variant.
Coding change: c.440T>G on transcript NM_002834.5 (MANE Select); coding-DNA position 440, T replaced by G.
Protein change: p.Phe147Cys; replaces phenylalanine 147 with cysteine.
Molecular consequence: missense variant.
Genome position (GRCh38, 1-based): chr12:112,453,302, T>G. VCF-style: chr12-112453302-T-G. GRCh37 (hg19) VCF-style: chr12-112891106-T-G.
Other names: c.440T>G, p.Phe147Cys (NM_001330437.2, NM_080601.3); c.437T>G, p.Phe146Cys (NM_001374625.1); short protein forms F147C, F146C.
Identifiers: ClinVar variation 561792 (VCV000561792.7), dbSNP rs1179862540, ClinGen allele CA386781365.